The following is an entry in ClinVar:

ClinVar aggregate classification (germline): Conflicting classifications of pathogenicity. Review status: criteria provided, conflicting classifications (1 of 4 stars). 4 submissions from 4 submitters: Uncertain significance (3); Likely benign (1). Last evaluated 2023-11-10.

Conditions:
Hereditary cancer-predisposing syndrome. Also called: Neoplastic Syndromes, Hereditary; Hereditary Cancer Syndrome; Tumor predisposition; Hereditary neoplastic syndrome. Identifiers: Orphanet 140162, MedGen C0027672, MeSH D009386, MONDO:0015356.
Hereditary breast ovarian cancer syndrome. Also called: Hereditary breast and ovarian cancer syndrome; Hereditary breast and ovarian cancer syndrome (HBOC); BRCA1- and BRCA2-Associated Hereditary Breast and Ovarian Cancer; Hereditary breast and ovarian cancer; Hereditary breast and/or ovarian cancer syndrome; Breast and ovarian cancer. Identifiers: Orphanet 145, MedGen C0677776, MeSH D061325, MONDO:0003582. Disease mechanism: loss of function.

Submissions (4):

Quest Diagnostics Nichols Institute San Juan Capistrano
Classification: Uncertain significance. Last evaluated: 2023-11-10. Review status: criteria provided, single submitter. Criteria: Quest Diagnostics criteria. Collection method: clinical testing. Allele origin: unknown.
Comment: The BRCA1 c.1910C>G (p.Thr637Ser) variant has not been reported in individuals with BRCA1-related conditions in the published literature. It also has not been reported in large, multi-ethnic general populations (Genome Aggregation Database). Analysis of this variant using bioinformatics tools for the prediction of the effect of amino acid changes on protein structure and function yielded predictions that this variant is benign. Based on the available information, we are unable to determine the clinical significance of this variant.

University of Washington Department of Laboratory Medicine, University of Washington
Classification: Likely benign for Hereditary cancer-predisposing syndrome. Last evaluated: 2023-03-23. Review status: criteria provided, single submitter. Criteria: Dines et al. (Genet Med. 2020). Collection method: curation. Allele origin: germline.
Comment: Missense variant in a coldspot region where missense variants are very unlikely to be pathogenic (PMID:31911673).

BRCA1 coldspot (exon 11 using historical exon numbering). Reclassification based on statistical prior probability

Ambry Genetics
Classification: Uncertain significance for Hereditary cancer-predisposing syndrome. Last evaluated: 2022-01-21. Review status: criteria provided, single submitter. Criteria: Ambry Variant Classification Scheme 2023. Collection method: clinical testing. Allele origin: germline.
Comment: The p.T637S variant (also known as c.1910C>G), located in coding exon 9 of the BRCA1 gene, results from a C to G substitution at nucleotide position 1910. The threonine at codon 637 is replaced by serine, an amino acid with similar properties. This amino acid position is conserved. In addition, the in silico prediction for this alteration is inconclusive. Since supporting evidence is limited at this time, the clinical significance of this alteration remains unclear.

Labcorp Genetics (formerly Invitae), Labcorp
Classification: Uncertain significance for Hereditary breast ovarian cancer syndrome. Last evaluated: 2020-09-30. Review status: criteria provided, single submitter. Criteria: Invitae Variant Classification Sherloc (09022015). Collection method: clinical testing. Allele origin: germline.
Comment: This sequence change replaces threonine with serine at codon 637 of the BRCA1 protein (p.Thr637Ser). The threonine residue is moderately conserved and there is a small physicochemical difference between threonine and serine. In summary, the available evidence is currently insufficient to determine the role of this variant in disease. Therefore, it has been classified as a Variant of Uncertain Significance. Algorithms developed to predict the effect of sequence changes on RNA splicing suggest that this variant may create or strengthen a splice site, but this prediction has not been confirmed by published transcriptional studies. Advanced modeling of protein sequence and biophysical properties (such as structural, functional, and spatial information, amino acid conservation, physicochemical variation, residue mobility, and thermodynamic stability) performed at Invitae indicates that this missense variant is not expected to disrupt BRCA1 protein function. This variant has not been reported in the literature in individuals with BRCA1-related conditions. This variant is not present in population databases (ExAC no frequency).

NM_007294.4(BRCA1):c.1910C>G (p.Thr637Ser)

Gene: BRCA1 (BRCA1 DNA repair associated; minus strand). Cytogenetic location: 17q21.31.
Variant type: single nucleotide variant.
Coding change: c.1910C>G on transcript NM_007294.4 (MANE Select); coding-DNA position 1910, C replaced by G.
Protein change: p.Thr637Ser; replaces threonine 637 with serine.
Molecular consequence: missense variant. On other transcripts: intron variant (137).
Genome position (GRCh38, 1-based): chr17:43,093,621, G>C on the plus strand (C>G on the coding strand, the complement: BRCA1 is on the minus strand). VCF-style: chr17-43093621-G-C. GRCh37 (hg19) VCF-style: chr17-41245638-G-C.
Other names: c.1697C>G, p.Thr566Ser (NM_001407571.1, NM_001407853.1, NM_001407894.1 and 9 more transcripts); c.1910C>G, p.Thr637Ser (NM_001407581.1, NM_001407582.1, NM_001407583.1 and 30 more transcripts); c.1907C>G, p.Thr636Ser (NM_001407587.1, NM_001407590.1, NM_001407591.1 and 22 more transcripts); c.1901C>G, p.Thr634Ser (NM_001407646.1, NM_001407647.1); c.1787C>G, p.Thr596Ser (NM_001407648.1, NM_001407664.1, NM_001407665.1 and 19 more transcripts); c.1784C>G, p.Thr595Ser (NM_001407649.1, NM_001407670.1, NM_001407671.1 and 11 more transcripts); c.1832C>G, p.Thr611Ser (NM_001407653.1, NM_001407654.1, NM_001407655.1 and 4 more transcripts); c.1829C>G, p.Thr610Ser (NM_001407659.1, NM_001407660.1, NM_001407661.1 and 1 more transcripts); and 40 more; short protein forms T637S, T590S, T526S, T548S, T636S, T341S, T566S, T569S.
Identifiers: ClinVar variation 1039797 (VCV001039797.15), dbSNP rs1555590925, ClinGen allele CA10598202.